The following is an entry in ClinVar:

NM_001035.3(RYR2):c.1005+3G>A

Gene: RYR2 (ryanodine receptor 2; plus strand). Cytogenetic location: 1q43.
Variant type: single nucleotide variant.
Coding change: c.1005+3G>A on transcript NM_001035.3 (MANE Select); 3 bases into the intron after coding-DNA position 1005, G replaced by A.
Molecular consequence: intron variant.
Genome position (GRCh38, 1-based): chr1:237,423,251, G>A. VCF-style: chr1-237423251-G-A. GRCh37 (hg19) VCF-style: chr1-237586551-G-A.
Identifiers: ClinVar variation 940597 (VCV000940597.7), dbSNP rs1705775231, ClinGen allele CA1139656649.

ClinVar aggregate classification (germline): Uncertain significance (1 of 4 stars; one submission).

Conditions:
Catecholaminergic polymorphic ventricular tachycardia 1. Also called: RYR2-Related Catecholaminergic Polymorphic Ventricular Tachycardia; VENTRICULAR TACHYCARDIA, CATECHOLAMINERGIC POLYMORPHIC, 1, WITH OR WITHOUT ATRIAL DYSFUNCTION AND/OR DILATED CARDIOMYOPATHY; VENTRICULAR TACHYCARDIA, STRESS-INDUCED POLYMORPHIC 1. Identifiers: Orphanet 3286, MedGen C1631597, MONDO:0011484, OMIM 604772.

Allele frequency attached by ClinVar (database versions not stated): gnomAD exomes below 0.00001.
gnomAD v4.1: 2 of 1,611,228 alleles (0.00012%); highest among the groups gnomAD compares: Non-Finnish European, 0.00017%; no homozygotes.

Submission:

Labcorp Genetics (formerly Invitae), Labcorp
Classification: Uncertain significance for Catecholaminergic polymorphic ventricular tachycardia 1. Last evaluated: 2024-12-09. Review status: criteria provided, single submitter. Criteria: Invitae Variant Classification Sherloc (09022015). Collection method: clinical testing. Allele origin: germline.
Comment: This sequence change falls in intron 12 of the RYR2 gene. It does not directly change the encoded amino acid sequence of the RYR2 protein. It affects a nucleotide within the consensus splice site. This variant is not present in population databases (gnomAD no frequency). This variant has not been reported in the literature in individuals affected with RYR2-related conditions. ClinVar contains an entry for this variant (Variation ID: 940597). Variants that disrupt the consensus splice site are a relatively common cause of aberrant splicing (PMID: 17576681, 9536098). Algorithms developed to predict the effect of sequence changes on RNA splicing suggest that this variant is not likely to affect RNA splicing. In summary, the available evidence is currently insufficient to determine the role of this variant in disease. Therefore, it has been classified as a Variant of Uncertain Significance.

Literature cited by the submitters: PubMed 17576681; PubMed 9536098.